The following is an entry in ClinVar:

NM_001377295.2(GNAT2):c.303+3A>G

Gene: GNAT2 (G protein subunit alpha transducin 2; minus strand). Cytogenetic location: 1p13.3.
Variant type: single nucleotide variant.
Coding change: c.303+3A>G on transcript NM_001377295.2 (MANE Select); 3 bases into the intron after coding-DNA position 303, A replaced by G.
Molecular consequence: intron variant.
Genome position (GRCh38, 1-based): chr1:109,610,037, T>C on the plus strand (A>G on the coding strand, the complement: GNAT2 is on the minus strand). VCF-style: chr1-109610037-T-C. GRCh37 (hg19) VCF-style: chr1-110152659-T-C.
Other names: c.303+3A>G (NM_001379232.1, NM_005272.5).
Identifiers: ClinVar variation 1486404 (VCV001486404.6), dbSNP rs1445911815, ClinGen allele CA885375102.
Genomic context (GRCh38, chr1:109,610,037, plus strand): 5'-GGTATGTTTCTTCTTGCTAGCCTTTCTGCTTCCACCCTTAACCACATAATAGTAATCACA[T>C]ACCGCACAGCTTGGTTCAGCATAATCGATGCCCAGTGTGGTCATGGCCCGGATGATAGCC-3'

ClinVar aggregate classification (germline): Uncertain significance (1 of 4 stars; one submission).

Allele frequency attached by ClinVar (database versions not stated): TOPMed below 0.00001; gnomAD 0.00001.
gnomAD v4.1: 1 of 1,613,860 alleles (0.000062%); highest among the groups gnomAD compares: Admixed American, 0.0017%; no homozygotes.

Submission:

Labcorp Genetics (formerly Invitae), Labcorp
Classification: Uncertain significance. Last evaluated: 2025-08-21. Review status: criteria provided, single submitter. Criteria: Invitae Variant Classification Sherloc (09022015). Collection method: clinical testing. Allele origin: germline.
Comment: This sequence change falls in intron 3 of the GNAT2 gene. It does not directly change the encoded amino acid sequence of the GNAT2 protein. It affects a nucleotide within the consensus splice site. This variant is not present in population databases (gnomAD no frequency). This variant has not been reported in the literature in individuals affected with GNAT2-related conditions. ClinVar contains an entry for this variant (Variation ID: 1486404). Variants that disrupt the consensus splice site are a relatively common cause of aberrant splicing (PMID: 17576681, 9536098). Algorithms developed to predict the effect of sequence changes on RNA splicing suggest that this variant may disrupt the consensus splice site. In summary, the available evidence is currently insufficient to determine the role of this variant in disease. Therefore, it has been classified as a Variant of Uncertain Significance.

Literature cited by the submitters: PubMed 17576681; PubMed 9536098.